The following is an entry in ClinVar:

NM_198282.4(STING1):c.697G>A (p.Ala233Thr)

Gene: STING1 (stimulator of interferon response cGAMP interactor 1; minus strand). Cytogenetic location: 5q31.2.
Variant type: single nucleotide variant.
Coding change: c.697G>A on transcript NM_198282.4 (MANE Select); coding-DNA position 697, G replaced by A.
Protein change: p.Ala233Thr; replaces alanine 233 with threonine.
Molecular consequence: missense variant.
Genome position (GRCh38, 1-based): chr5:139,478,332, C>T on the plus strand (G>A on the coding strand, the complement: STING1 is on the minus strand). VCF-style: chr5-139478332-C-T. GRCh37 (hg19) VCF-style: chr5-138857917-C-T.
Other names: c.697G>A, p.Ala233Thr (NM_001301738.2); c.340G>A, p.Ala114Thr (NM_001367258.1); short protein forms A114T, A233T.
Identifiers: ClinVar variation 1694184 (VCV001694184.8), dbSNP rs201670175, ClinGen allele CA3435340.

ClinVar aggregate classification (germline): Uncertain significance. Review status: criteria provided, multiple submitters, no conflicts (2 of 4 stars). 2 submissions from 2 submitters: Uncertain significance (2). Last evaluated 2024-06-06.

Conditions:
Autoinflammatory syndrome. Identifiers: Orphanet 93665, MedGen C3890737, MONDO:0019751.
STING-associated vasculopathy with onset in infancy. Also called: Sting-associated vasculopathy, infantile-onset. Identifiers: Orphanet 425120, MedGen C4014722, MONDO:0014405, OMIM 615934.

Allele frequency attached by ClinVar (database versions not stated): gnomAD exomes below 0.00001; gnomAD 0.00001; 1000 Genomes Project 30x 0.00016; 1000 Genomes Project 0.00020; ExAC 0.00001.
gnomAD v4.1: 14 of 1,614,148 alleles (0.00087%); highest among the groups gnomAD compares: Middle Eastern, 0.033%; no homozygotes.

Submissions (2):

Labcorp Genetics (formerly Invitae), Labcorp
Classification: Uncertain significance for STING-associated vasculopathy with onset in infancy. Last evaluated: 2024-06-06. Review status: criteria provided, single submitter. Criteria: Invitae Variant Classification Sherloc (09022015). Collection method: clinical testing. Allele origin: germline.
Comment: This sequence change replaces alanine, which is neutral and non-polar, with threonine, which is neutral and polar, at codon 233 of the TMEM173 protein (p.Ala233Thr). This variant is present in population databases (rs201670175, gnomAD 0.007%). This variant has not been reported in the literature in individuals affected with TMEM173-related conditions. ClinVar contains an entry for this variant (Variation ID: 1694184). Advanced modeling of protein sequence and biophysical properties (such as structural, functional, and spatial information, amino acid conservation, physicochemical variation, residue mobility, and thermodynamic stability) performed at Invitae indicates that this missense variant is expected to disrupt TMEM173 protein function with a positive predictive value of 80%. In summary, the available evidence is currently insufficient to determine the role of this variant in disease. Therefore, it has been classified as a Variant of Uncertain Significance.

Genome Diagnostics Laboratory, The Hospital for Sick Children
Classification: Uncertain significance for Autoinflammatory syndrome. Last evaluated: 2019-02-01. Review status: criteria provided, single submitter. Criteria: ACMG Guidelines, 2015. Collection method: clinical testing. Allele origin: germline. Affected: yes.